The following is an entry in ClinVar:

NM_000512.5(GALNS):c.988G>A (p.Val330Ile)

Gene: GALNS (galactosamine (N-acetyl)-6-sulfatase; minus strand). Cytogenetic location: 16q24.3.
Variant type: single nucleotide variant.
Coding change: c.988G>A on transcript NM_000512.5 (MANE Select); coding-DNA position 988, G replaced by A.
Protein change: p.Val330Ile; replaces valine 330 with isoleucine.
Molecular consequence: missense variant.
Genome position (GRCh38, 1-based): chr16:88,832,012, C>T on the plus strand (G>A on the coding strand, the complement: GALNS is on the minus strand). VCF-style: chr16-88832012-C-T. GRCh37 (hg19) VCF-style: chr16-88898420-C-T.
Other names: c.433G>A, p.Val145Ile (NM_001323543.2); c.1006G>A, p.Val336Ile (NM_001323544.2); short protein forms V145I, V330I, V336I.
Identifiers: ClinVar variation 1054221 (VCV001054221.6), dbSNP rs767856715, ClinGen allele CA8234883.

ClinVar aggregate classification (germline): Uncertain significance (1 of 4 stars; one submission).

Conditions:
Mucopolysaccharidosis, MPS-IV-A (MPS4A). Also called: Mucopolysaccharidosis type IV A; Mucopolysaccharidosis Type IVA; Morquio syndrome A, mild; MORQUIO SYNDROME A; MPS IVA; mucopolysaccharidosis type 4A. Identifiers: Orphanet 309297, Orphanet 582, MedGen C0086651, MONDO:0009659, OMIM 253000.

Allele frequency attached by ClinVar (database versions not stated): gnomAD exomes below 0.00001 and 0.00001; gnomAD 0.00001; TOPMed 0.00001; ExAC 0.00002.
gnomAD v4.1: 15 of 1,613,390 alleles (0.00093%); highest among the groups gnomAD compares: South Asian, 0.011%; no homozygotes.

Submission:

Labcorp Genetics (formerly Invitae), Labcorp
Classification: Uncertain significance for Mucopolysaccharidosis, MPS-IV-A. Last evaluated: 2021-08-26. Review status: criteria provided, single submitter. Criteria: Invitae Variant Classification Sherloc (09022015). Collection method: clinical testing. Allele origin: germline.
Comment: This sequence change replaces valine with isoleucine at codon 330 of the GALNS protein (p.Val330Ile). The valine residue is weakly conserved and there is a small physicochemical difference between valine and isoleucine. This variant is present in population databases (rs767856715, ExAC 0.002%). This variant has not been reported in the literature in individuals affected with GALNS-related conditions. Algorithms developed to predict the effect of missense changes on protein structure and function output the following: SIFT: "Tolerated"; PolyPhen-2: "Benign"; Align-GVGD: "Class C0". The isoleucine amino acid residue is found in multiple mammalian species, which suggests that this missense change does not adversely affect protein function. In summary, the available evidence is currently insufficient to determine the role of this variant in disease. Therefore, it has been classified as a Variant of Uncertain Significance.